The following is an entry in ClinVar:

NM_024422.6(DSC2):c.293T>C (p.Leu98Pro)

Gene: DSC2 (desmocollin 2; minus strand). Cytogenetic location: 18q12.1.
Variant type: single nucleotide variant.
Coding change: c.293T>C on transcript NM_024422.6 (MANE Select); coding-DNA position 293, T replaced by C.
Protein change: p.Leu98Pro; replaces leucine 98 with proline.
Molecular consequence: missense variant. On other transcripts: 5 prime UTR variant (2).
Genome position (GRCh38, 1-based): chr18:31,092,162, A>G on the plus strand (T>C on the coding strand, the complement: DSC2 is on the minus strand). VCF-style: chr18-31092162-A-G. GRCh37 (hg19) VCF-style: chr18-28672125-A-G.
Other names: c.-137T>C (NM_001406506.1, NM_001406507.1); c.293T>C, p.Leu98Pro (NM_004949.5); short protein forms L98P.
Identifiers: ClinVar variation 3906542 (VCV003906542.1).

ClinVar aggregate classification (germline): Uncertain significance (1 of 4 stars; one submission).

Submission:

GeneDx
Classification: Uncertain significance. Last evaluated: 2024-12-10. Review status: criteria provided, single submitter. Criteria: GeneDx Variant Classification Process June 2021. Collection method: clinical testing. Allele origin: germline. Affected: yes.
Comment: Not observed at significant frequency in large population cohorts (gnomAD); In silico analysis supports that this missense variant has a deleterious effect on protein structure/function; Has not been previously published as pathogenic or benign to our knowledge